The following is an entry in ClinVar:

NM_000191.3(HMGCL):c.-13A>G

Gene: HMGCL (3-hydroxy-3-methylglutaryl-CoA lyase; minus strand). Cytogenetic location: 1p36.11.
Variant type: single nucleotide variant.
Coding change: c.-13A>G on transcript NM_000191.3 (MANE Select); 13 bases upstream of the start codon, A replaced by G.
Molecular consequence: 5 prime UTR variant.
Genome position (GRCh38, 1-based): chr1:23,825,428, T>C on the plus strand (A>G on the coding strand, the complement: HMGCL is on the minus strand). VCF-style: chr1-23825428-T-C. GRCh37 (hg19) VCF-style: chr1-24151918-T-C.
Other names: c.-13A>G (NM_001166059.2).
Identifiers: ClinVar variation 382100 (VCV000382100.1), dbSNP rs1057521252, ClinGen allele CA16603589.

ClinVar aggregate classification (germline): Likely benign (1 of 4 stars; one submission).

Allele frequency attached by ClinVar (database versions not stated): gnomAD exomes below 0.00001; TOPMed 0.00002.
gnomAD v4.1: 3 of 1,551,892 alleles (0.00019%); highest among the groups gnomAD compares: Non-Finnish European, 0.00026%; no homozygotes.

Submission:

GeneDx
Classification: Likely benign. Last evaluated: 2015-12-17. Review status: criteria provided, single submitter. Criteria: GeneDx Variant Classification (06012015). Collection method: clinical testing. Allele origin: germline. Affected: yes.
Comment: This variant is considered likely benign or benign based on one or more of the following criteria: it is a conservative change, it occurs at a poorly conserved position in the protein, it is predicted to be benign by multiple in silico algorithms, and/or has population frequency not consistent with disease.